The following is an entry in ClinVar:

NM_001290060.2(SEMA3B):c.11C>A (p.Ala4Asp)

Gene: SEMA3B (semaphorin 3B; plus strand). Cytogenetic location: 3p21.31.
Variant type: single nucleotide variant.
Coding change: c.11C>A on transcript NM_001290060.2 (MANE Select); coding-DNA position 11, C replaced by A.
Protein change: p.Ala4Asp; replaces alanine 4 with aspartic acid.
Molecular consequence: missense variant.
Genome position (GRCh38, 1-based): chr3:50,269,251, C>A. VCF-style: chr3-50269251-C-A. GRCh37 (hg19) VCF-style: chr3-50306683-C-A.
Other names: c.11C>A, p.Ala4Asp (NM_001005914.3, NM_001290061.1, NM_004636.4); short protein forms A4D.
Identifiers: ClinVar variation 3159699 (VCV003159699.2), dbSNP rs587728978, ClinGen allele CA352902091.

ClinVar aggregate classification (germline): Uncertain significance. Review status: criteria provided, multiple submitters, no conflicts (2 of 4 stars). 2 submissions from 2 submitters: Uncertain significance (2). Last evaluated 2025-08-18.

Conditions:
SEMA3B-related disorder. Also called: SEMA3B-related condition.

Allele frequency attached by ClinVar (database versions not stated): TOPMed below 0.00001.

Submissions (2):

PreventionGenetics, part of Exact Sciences
Classification: Uncertain significance for SEMA3B-related condition. Last evaluated: 2025-08-18. Review status: criteria provided, single submitter. Criteria: ACMG Guidelines, 2015. Collection method: clinical testing. Allele origin: germline.
Comment: The SEMA3B c.11C>A variant is predicted to result in the amino acid substitution p.Ala4Asp. To our knowledge, this variant has not been reported in the literature or in a large population database (gnomAD), indicating this variant is rare. At this time, the clinical significance of this variant is uncertain due to the absence of conclusive functional and genetic evidence.

Ambry Genetics
Classification: Uncertain significance. Last evaluated: 2024-01-09. Review status: criteria provided, single submitter. Criteria: Ambry Variant Classification Scheme 2023. Collection method: clinical testing. Allele origin: germline.